The following is an entry in ClinVar:

NM_000458.4(HNF1B):c.544+2_544+3dup

Gene: HNF1B (HNF1 homeobox B; minus strand). Cytogenetic location: 17q12.
Variant type: Duplication.
Coding change: c.544+2_544+3dup on transcript NM_000458.4 (MANE Select); the canonical splice donor site of the intron after coding-DNA position 544 through 3 bases into the intron after coding-DNA position 544, 2 bases duplicated (TA; older notation c.544+2_544+3dupTA).
Molecular consequence: splice donor variant.
Genome position (GRCh38, 1-based): chr17:37,739,437-37,739,438, TA duplicated on the plus strand (TA on the coding strand, the reverse complement: HNF1B is on the minus strand). VCF-style (leftmost placement, unchanged base first): chr17-37739436-T-TTA. GRCh37 (hg19) VCF-style: chr17-36099427-T-TTA.
Other names: c.544+2_544+3dup (NM_001304286.2, NM_001165923.4).
Identifiers: ClinVar variation 635670 (VCV000635670.1), dbSNP rs2511827914, ClinGen allele CA913190786.

ClinVar aggregate classification (germline): Pathogenic (1 of 4 stars; one submission).

Conditions:
Renal cysts and diabetes syndrome (RCAD). Also called: Familial hypoplastic, glomerulocystic kidney; MATURITY-ONSET DIABETES OF THE YOUNG, TYPE 5. Identifiers: Orphanet 93111, MedGen C0431693, MONDO:0007669, OMIM 137920.

Submission:

Institute of Human Genetics, FAU Erlangen, Friedrich-Alexander-Universität Erlangen-Nürnberg
Classification: Pathogenic for Renal cysts and diabetes syndrome. Last evaluated: 2019-07-06. Review status: criteria provided, single submitter. Criteria: ACMG Guidelines, 2015. Collection method: literature only. Allele origin: germline. Affected: yes.
Comment: This variant and it's classification has been reported by Vasileiou et al. 2019; DOI:10.1101/576918. The variants has previously been reported in PMID:25700310; PMID:15085338 as "c.544+2_544+3dupT" with clinical significance Pathogenic. It has been re-classified using InterVar and manual curation as Pathogenic based on PVS1 PM2 PP3.

Literature cited by the submitters: PubMed 25700310; PubMed 15085338; DOI 10.1101/576918.